The following is an entry in ClinVar:

NM_018288.4(PHF10):c.1218T>C (p.Asn406=)

Genes: C6orf120 (chromosome 6 open reading frame 120; plus strand), PHF10 (PHD finger protein 10; minus strand). Cytogenetic location: 6q27.
Variant type: single nucleotide variant.
Coding change: c.1218T>C on transcript NM_018288.4 (MANE Select); coding-DNA position 1218, T replaced by C.
Protein change: p.Asn406=; no amino-acid change (asparagine 406 retained).
Molecular consequence: synonymous variant. On other transcripts: 3 prime UTR variant (2).
Genome position (GRCh38, 1-based): chr6:169,705,620, A>G on the plus strand (T>C on the coding strand, the complement: PHF10 is on the minus strand). VCF-style: chr6-169705620-A-G. GRCh37 (hg19) VCF-style: chr6-170105716-A-G.
Other names: c.*2585A>G (NM_001029863.3, NM_001317342.2); c.1212T>C, p.Asn404= (NM_133325.3).
Identifiers: ClinVar variation 2657145 (VCV002657145.24), dbSNP rs771642444, ClinGen allele CA4105190.

ClinVar aggregate classification (germline): Likely benign (1 of 4 stars; one submission).

Allele frequency attached by ClinVar (database versions not stated): gnomAD exomes below 0.00001; TOPMed below 0.00001; ExAC 0.00001.
gnomAD v4.1: 2 of 1,385,502 alleles (0.00014%); highest among the groups gnomAD compares: Non-Finnish European, 0.00021%; no homozygotes.

Submission:

CeGaT Center for Human Genetics Tuebingen
Classification: Likely benign. Last evaluated: 2022-06-01. Review status: criteria provided, single submitter. Criteria: CeGaT Center For Human Genetics Tuebingen Variant Classification Criteria Version 2. Collection method: clinical testing. Allele origin: germline. Affected: yes. Observed: 1 variant allele.
Comment: PHF10: BP4, BP7